The following is an entry in ClinVar:

ClinVar aggregate classification (germline): Uncertain significance. Review status: criteria provided, multiple submitters, no conflicts (2 of 4 stars). 2 submissions from 2 submitters: Uncertain significance (2). Last evaluated 2026-01-12.

Conditions:
Usher syndrome type 3B. Also called: USHER SYNDROME, TYPE IIIB. Identifiers: MedGen C3281066, MONDO:0013788, OMIM 614504.

Allele frequency attached by ClinVar (database versions not stated): ExAC 0.00002; gnomAD 0.00002 and 0.00003; gnomAD exomes 0.00002; TOPMed 0.00004.
gnomAD v4.1: 33 of 1,613,746 alleles (0.002%); highest among the groups gnomAD compares: African/African-American, 0.0027%; no homozygotes.

Submissions (2):

Labcorp Genetics (formerly Invitae), Labcorp
Classification: Uncertain significance for Usher syndrome type 3B. Last evaluated: 2026-01-12. Review status: criteria provided, single submitter. Criteria: Invitae Variant Classification Sherloc (09022015). Collection method: clinical testing. Allele origin: germline.
Comment: This sequence change replaces glutamic acid, which is acidic and polar, with lysine, which is basic and polar, at codon 74 of the HARS protein (p.Glu74Lys). This variant is present in population databases (rs774017621, gnomAD 0.01%). This variant has not been reported in the literature in individuals affected with HARS-related conditions. ClinVar contains an entry for this variant (Variation ID: 540198). Invitae Evidence Modeling of protein sequence and biophysical properties (such as structural, functional, and spatial information, amino acid conservation, physicochemical variation, residue mobility, and thermodynamic stability) indicates that this missense variant is not expected to disrupt HARS protein function with a negative predictive value of 80%. In summary, the available evidence is currently insufficient to determine the role of this variant in disease. Therefore, it has been classified as a Variant of Uncertain Significance.

ARUP Laboratories, Molecular Genetics and Genomics, ARUP Laboratories
Classification: Uncertain significance. Last evaluated: 2019-03-02. Review status: criteria provided, single submitter. Criteria: ARUP Molecular Germline Variant Investigation Process. Collection method: clinical testing. Allele origin: germline.
Comment: The p.Glu74Lys variant (rs774017621) has not been reported in the medical literature, gene specific variation databases, nor has it been previously identified by our laboratory. This variant is listed in the Genome Aggregation Database (gnomAD) with an overall population frequency of 0.002 percent (identified on 4 out of 251,482 chromosomes) and has been reported to the ClinVar database (Variation ID: 540198). The glutamic acid at position 74 is weakly conserved and computational analyses of the effects of the p.Glu74Lys variant on protein structure and function is conflicting (SIFT: tolerated, PolyPhen-2: probably damaging). Altogether, there is not enough evidence to classify the p.Glu74Lys variant with certainty.

NM_002109.6(HARS1):c.220G>A (p.Glu74Lys)

Gene: HARS1 (histidyl-tRNA synthetase 1; minus strand). Cytogenetic location: 5q31.3.
Variant type: single nucleotide variant.
Coding change: c.220G>A on transcript NM_002109.6 (MANE Select); coding-DNA position 220, G replaced by A.
Protein change: p.Glu74Lys; replaces glutamic acid 74 with lysine.
Molecular consequence: missense variant. On other transcripts: intron variant (3).
Genome position (GRCh38, 1-based): chr5:140,683,180, C>T on the plus strand (G>A on the coding strand, the complement: HARS1 is on the minus strand). VCF-style: chr5-140683180-C-T. GRCh37 (hg19) VCF-style: chr5-140062765-C-T.
Other names: c.220G>A, p.Glu74Lys (NM_001258041.3, NM_001289092.2); c.133G>A, p.Glu45Lys (NM_001289094.2); c.181-5165G>A (NM_001289093.2); c.181-3297G>A (NM_001258042.3, NM_001258040.3); short protein forms E74K, E45K.
Identifiers: ClinVar variation 540198 (VCV000540198.18), dbSNP rs774017621, ClinGen allele CA3444160.